The following is an entry in ClinVar:

NM_001384732.1(CPLANE1):c.7559A>G (p.His2520Arg)

Gene: CPLANE1 (ciliogenesis and planar polarity effector complex subunit 1; minus strand). Cytogenetic location: 5p13.2.
Variant type: single nucleotide variant.
Coding change: c.7559A>G on transcript NM_001384732.1 (MANE Select); coding-DNA position 7559, A replaced by G.
Protein change: p.His2520Arg; replaces histidine 2520 with arginine.
Molecular consequence: missense variant.
Genome position (GRCh38, 1-based): chr5:37,164,302, T>C on the plus strand (A>G on the coding strand, the complement: CPLANE1 is on the minus strand). VCF-style: chr5-37164302-T-C. GRCh37 (hg19) VCF-style: chr5-37164404-T-C.
Other names: c.7559A>G, p.His2520Arg (NM_023073.4); c.7559A>G (NM_023073.3); short protein forms H2520R.
Identifiers: ClinVar variation 1057161 (VCV001057161.11), dbSNP rs369951498, ClinGen allele CA3238024.

ClinVar aggregate classification (germline): Conflicting classifications of pathogenicity. Review status: criteria provided, conflicting classifications (1 of 4 stars). 3 submissions from 3 submitters: Uncertain significance (1); Likely benign (2). Last evaluated 2026-02-10.

Allele frequency attached by ClinVar (database versions not stated): gnomAD exomes 0.00001 and 0.00004; ExAC 0.00002; ESP Exome Variant Server 0.00008; gnomAD 0.00013 and 0.00017; TOPMed 0.00017.
gnomAD v4.1: 35 of 1,613,262 alleles (0.0022%); highest among the groups gnomAD compares: African/African-American, 0.045%; no homozygotes.

Submissions (3):

GeneDx
Classification: Uncertain significance. Last evaluated: 2026-02-10. Review status: criteria provided, single submitter. Criteria: GeneDx Variant Classification Process June 2021. Collection method: clinical testing. Allele origin: germline.
Comment: In silico analysis suggests that this missense variant does not alter protein structure/function; Has not been previously published as pathogenic or benign to our knowledge

Labcorp Genetics (formerly Invitae), Labcorp
Classification: Likely benign. Last evaluated: 2026-01-24. Review status: criteria provided, single submitter. Criteria: Invitae Variant Classification Sherloc (09022015). Collection method: clinical testing. Allele origin: germline.

Blueprint Genetics
Classification: Likely benign. Last evaluated: 2022-04-28. Review status: criteria provided, single submitter. Criteria: ACMG Guidelines, 2015. Collection method: clinical testing. Allele origin: germline.